The following is an entry in ClinVar:

ClinVar aggregate classification (germline): Uncertain significance (1 of 4 stars; one submission).

Allele frequency attached by ClinVar (database versions not stated): gnomAD 0.00001; gnomAD exomes 0.00001.
gnomAD v4.1: 6 of 1,613,022 alleles (0.00037%); highest among the groups gnomAD compares: Non-Finnish European, 0.00051%; no homozygotes.

Submission:

Labcorp Genetics (formerly Invitae), Labcorp
Classification: Uncertain significance. Last evaluated: 2022-06-10. Review status: criteria provided, single submitter. Criteria: Invitae Variant Classification Sherloc (09022015). Collection method: clinical testing. Allele origin: germline.
Comment: This variant has not been reported in the literature in individuals affected with ROM1-related conditions. In summary, the available evidence is currently insufficient to determine the role of this variant in disease. Therefore, it has been classified as a Variant of Uncertain Significance. Algorithms developed to predict the effect of missense changes on protein structure and function (SIFT, PolyPhen-2, Align-GVGD) all suggest that this variant is likely to be tolerated. This variant is not present in population databases (gnomAD no frequency). This sequence change replaces alanine, which is neutral and non-polar, with valine, which is neutral and non-polar, at codon 54 of the ROM1 protein (p.Ala54Val).

NM_000327.4(ROM1):c.161C>T (p.Ala54Val)

Gene: ROM1 (retinal outer segment membrane protein 1; plus strand). Cytogenetic location: 11q12.3.
Variant type: single nucleotide variant.
Coding change: c.161C>T on transcript NM_000327.4 (MANE Select); coding-DNA position 161, C replaced by T.
Protein change: p.Ala54Val; replaces alanine 54 with valine.
Molecular consequence: missense variant.
Genome position (GRCh38, 1-based): chr11:62,613,442, C>T. VCF-style: chr11-62613442-C-T. GRCh37 (hg19) VCF-style: chr11-62380914-C-T.
Other names: short protein forms A54V.
Identifiers: ClinVar variation 2004517 (VCV002004517.4), dbSNP rs1942939046, ClinGen allele CA380968684.